The following is an entry in ClinVar:

NM_002693.3(POLG):c.136_137insGGCGGCGGCAGCAGC (p.Gln45_Gln46insArgArgArgGlnGln)

Genes: POLG (DNA polymerase gamma, catalytic subunit; minus strand), POLGARF (POLG alternative reading frame; minus strand). Cytogenetic location: 15q26.1.
Variant type: Microsatellite.
Coding change: c.136_137insGGCGGCGGCAGCAGC on transcript NM_002693.3 (MANE Select); coding-DNA positions 136 to 137, GGCGGCGGCAGCAGC inserted.
Protein change: p.Gln45_Gln46insArgArgArgGlnGln.
Molecular consequence: inframe insertion.
Genome position: GRCh38 VCF-style: chr15-89333618-T-TGCTGCTGCCGCCGCC. GRCh37 (hg19) VCF-style: chr15-89876849-T-TGCTGCTGCCGCCGCC.
Other names: c.136_137insGGCGGCGGCAGCAGC, p.Gln45_Gln46insArgArgArgGlnGln (NM_001126131.2).
Identifiers: ClinVar variation 1518884 (VCV001518884.7), dbSNP rs2141816159.
Genomic context (GRCh38, chr15:89,333,618, plus strand): 5'-CCCTCCGAGGATAGCACTTGCGGCTGCTGAGGCTGCTGTTGCTGCTGCTGCTGCTGCTGC[T>TGCTGCTGCCGCCGCC]GCTGCTGCTGCCGCCGCCGCTGCCCGTCGCTGGGGTCGGACGCGGGGACGGAGCTGGAGA-3'

ClinVar aggregate classification (germline): Uncertain significance (1 of 4 stars; one submission).

Conditions:
Progressive sclerosing poliodystrophy (MTDPS4A). Also called: ALPERS PROGRESSIVE INFANTILE POLIODYSTROPHY; NEURONAL DEGENERATION OF CHILDHOOD WITH LIVER DISEASE, PROGRESSIVE; Mitochondrial DNA Depletion Syndrome 4A; Alpers-Huttenlocher Syndrome (AHS); Alpers Syndrome; ALPERS DIFFUSE DEGENERATION OF CEREBRAL GRAY MATTER WITH HEPATIC CIRRHOSIS. Identifiers: Orphanet 726, MedGen C0205710, MONDO:0008758, OMIM 203700.

Submission:

Labcorp Genetics (formerly Invitae), Labcorp
Classification: Uncertain significance for Progressive sclerosing poliodystrophy. Last evaluated: 2024-10-24. Review status: criteria provided, single submitter. Criteria: Invitae Variant Classification Sherloc (09022015). Collection method: clinical testing. Allele origin: germline.
Comment: This variant, c.136_137insGGCGGCGGCAGCAGC, results in the insertion of 5 amino acid(s) of the POLG protein (p.Gln45_Gln46insArgArgArgGlnGln), but otherwise preserves the integrity of the reading frame. This variant is not present in population databases (gnomAD no frequency). This variant has not been reported in the literature in individuals affected with POLG-related conditions. In summary, the available evidence is currently insufficient to determine the role of this variant in disease. Therefore, it has been classified as a Variant of Uncertain Significance.